The following is an entry in ClinVar:

NM_014588.6(VSX1):c.422C>T (p.Ser141Phe)

Gene: VSX1 (visual system homeobox 1; minus strand). Cytogenetic location: 20p11.21.
Variant type: single nucleotide variant.
Coding change: c.422C>T on transcript NM_014588.6 (MANE Select); coding-DNA position 422, C replaced by T.
Protein change: p.Ser141Phe; replaces serine 141 with phenylalanine.
Molecular consequence: missense variant. On other transcripts: non-coding transcript variant (2).
Genome position (GRCh38, 1-based): chr20:25,081,675, G>A on the plus strand (C>T on the coding strand, the complement: VSX1 is on the minus strand). VCF-style: chr20-25081675-G-A. GRCh37 (hg19) VCF-style: chr20-25062311-G-A.
Other names: c.422C>T, p.Ser141Phe (NM_001256271.2, NM_001256272.2, NM_199425.3); short protein forms S141F.
Identifiers: ClinVar variation 2692900 (VCV002692900.3), dbSNP rs542888769, ClinGen allele CA408435789.

ClinVar aggregate classification (germline): Uncertain significance (1 of 4 stars; one submission).

gnomAD v4.1: 15 of 1,518,866 alleles (0.00099%); highest among the groups gnomAD compares: East Asian, 0.0051%; no homozygotes.

Submission:

Labcorp Genetics (formerly Invitae), Labcorp
Classification: Uncertain significance. Last evaluated: 2023-12-17. Review status: criteria provided, single submitter. Criteria: Invitae Variant Classification Sherloc (09022015). Collection method: clinical testing. Allele origin: germline.
Comment: This sequence change replaces serine, which is neutral and polar, with phenylalanine, which is neutral and non-polar, at codon 141 of the VSX1 protein (p.Ser141Phe). This variant is present in population databases (no rsID available, gnomAD 0.02%). This variant has not been reported in the literature in individuals affected with VSX1-related conditions. An algorithm developed to predict the effect of missense changes on protein structure and function (PolyPhen-2) suggests that this variant is likely to be disruptive. In summary, the available evidence is currently insufficient to determine the role of this variant in disease. Therefore, it has been classified as a Variant of Uncertain Significance.